The following is an entry in ClinVar:

NM_000135.4(FANCA):c.2698T>C (p.Ser900Pro)

Genes: FANCA (FA complementation group A; minus strand), LOC130059837 (ATAC-STARR-seq lymphoblastoid active region 11420; plus strand). Cytogenetic location: 16q24.3.
Variant type: single nucleotide variant.
Coding change: c.2698T>C on transcript NM_000135.4 (MANE Select); coding-DNA position 2698, T replaced by C.
Protein change: p.Ser900Pro; replaces serine 900 with proline.
Molecular consequence: missense variant.
Genome position (GRCh38, 1-based): chr16:89,764,970, A>G on the plus strand (T>C on the coding strand, the complement: FANCA is on the minus strand). VCF-style: chr16-89764970-A-G. GRCh37 (hg19) VCF-style: chr16-89831378-A-G.
Other names: c.2698T>C, p.Ser900Pro (NM_001286167.3); short protein forms S900P.
Identifiers: ClinVar variation 4022333 (VCV004022333.1).

ClinVar aggregate classification (germline): Uncertain significance (1 of 4 stars; one submission).

Conditions:
Inborn genetic diseases. Identifiers: MedGen C0950123, MeSH D030342.

Submission:

Ambry Genetics
Classification: Uncertain significance for Inborn genetic diseases. Last evaluated: 2025-05-31. Review status: criteria provided, single submitter. Criteria: Ambry Variant Classification Scheme 2023. Collection method: clinical testing. Allele origin: germline.
Comment: The p.S900P variant (also known as c.2698T>C), located in coding exon 28 of the FANCA gene, results from a T to C substitution at nucleotide position 2698. The serine at codon 900 is replaced by proline, an amino acid with similar properties. This amino acid position is conserved. In addition, the in silico prediction for this alteration is inconclusive. Based on the available evidence, the clinical significance of this variant remains unclear.